The following is an entry in ClinVar:

ClinVar aggregate classification (germline): Conflicting classifications of pathogenicity. Review status: criteria provided, conflicting classifications (1 of 4 stars). 4 submissions from 4 submitters: Uncertain significance (2); Likely benign (2). Last evaluated 2025-02-01.

Allele frequency attached by ClinVar (database versions not stated): TOPMed 0.00006; gnomAD 0.00007 and 0.00009; ExAC 0.00009; gnomAD exomes 0.00010; ESP Exome Variant Server 0.00015; 1000 Genomes Project 30x 0.00016; 1000 Genomes Project 0.00020.

Submissions (4):

CeGaT Center for Human Genetics Tuebingen
Classification: Uncertain significance. Last evaluated: 2025-02-01. Review status: criteria provided, single submitter. Criteria: CeGaT Center For Human Genetics Tuebingen Variant Classification Criteria Version 2. Collection method: clinical testing. Allele origin: germline. Affected: yes. Observed: 1 variant allele.

Women's Health and Genetics/Laboratory Corporation of America, LabCorp
Classification: Likely benign. Last evaluated: 2025-01-13. Review status: criteria provided, single submitter. Criteria: LabCorp Variant Classification Summary - May 2015. Collection method: clinical testing. Allele origin: germline.
Comment: Variant summary: TGM6 c.1102C>T (p.Arg368Trp) results in a non-conservative amino acid change in the encoded protein sequence. Five of five in-silico tools predict a damaging effect of the variant on protein function. The variant allele was found at a frequency of 6.5e-05 in 1607128 control chromosomes (gnomAD), however in several subpopulations higher allele frequencies were reported (e.g. 0.00022 within the Latino subpopulation, 0.00014 in the South Asians). The occurrence in several carriers suggests that the variant is likely not causal for a dominant, high penetrance disease phenotype. To our knowledge, no occurrence of c.1102C>T in individuals affected with Spinocerebellar Ataxia 35 and no experimental evidence demonstrating its impact on protein function have been reported. ClinVar contains an entry for this variant (Variation ID: 448665). Based on the evidence outlined above, the variant was classified as likely benign.

Labcorp Genetics (formerly Invitae), Labcorp
Classification: Uncertain significance. Last evaluated: 2024-05-21. Review status: criteria provided, single submitter. Criteria: Invitae Variant Classification Sherloc (09022015). Collection method: clinical testing. Allele origin: germline.
Comment: This sequence change replaces arginine, which is basic and polar, with tryptophan, which is neutral and slightly polar, at codon 368 of the TGM6 protein (p.Arg368Trp). This variant is present in population databases (rs201326247, gnomAD 0.03%). This variant has not been reported in the literature in individuals affected with TGM6-related conditions. ClinVar contains an entry for this variant (Variation ID: 448665). Advanced modeling of protein sequence and biophysical properties (such as structural, functional, and spatial information, amino acid conservation, physicochemical variation, residue mobility, and thermodynamic stability) has been performed at Invitae for this missense variant, however the output from this modeling did not meet the statistical confidence thresholds required to predict the impact of this variant on TGM6 protein function. In summary, the available evidence is currently insufficient to determine the role of this variant in disease. Therefore, it has been classified as a Variant of Uncertain Significance.

Athena Diagnostics
Classification: Likely benign. Last evaluated: 2017-06-16. Review status: criteria provided, single submitter. Criteria: Athena Diagnostics Criteria. Collection method: clinical testing. Allele origin: germline.

NM_198994.3(TGM6):c.1102C>T (p.Arg368Trp)

Gene: TGM6 (transglutaminase 6; plus strand). Cytogenetic location: 20p13.
Variant type: single nucleotide variant.
Coding change: c.1102C>T on transcript NM_198994.3 (MANE Select); coding-DNA position 1102, C replaced by T.
Protein change: p.Arg368Trp; replaces arginine 368 with tryptophan.
Molecular consequence: missense variant.
Genome position (GRCh38, 1-based): chr20:2,403,589, C>T. VCF-style: chr20-2403589-C-T. GRCh37 (hg19) VCF-style: chr20-2384235-C-T.
Other names: c.1102C>T, p.Arg368Trp (NM_001254734.2); short protein forms R368W.
Identifiers: ClinVar variation 448665 (VCV000448665.19), dbSNP rs201326247, ClinGen allele CA9731977.